The following is an entry in ClinVar:

NM_007118.4(TRIO):c.5749G>A (p.Val1917Met)

Gene: TRIO (trio Rho guanine nucleotide exchange factor; plus strand). Cytogenetic location: 5p15.2.
Variant type: single nucleotide variant.
Coding change: c.5749G>A on transcript NM_007118.4 (MANE Select); coding-DNA position 5749, G replaced by A.
Protein change: p.Val1917Met; replaces valine 1917 with methionine.
Molecular consequence: missense variant. On other transcripts: non-coding transcript variant (1).
Genome position (GRCh38, 1-based): chr5:14,465,626, G>A. VCF-style: chr5-14465626-G-A. GRCh37 (hg19) VCF-style: chr5-14465735-G-A.
Other names: short protein forms V1917M.
Identifiers: ClinVar variation 3342106 (VCV003342106.16).

ClinVar aggregate classification (germline): Uncertain significance (1 of 4 stars; one submission).

gnomAD v4.1: 5 of 1,613,968 alleles (0.00031%); highest among the groups gnomAD compares: Non-Finnish European, 0.00042%; no homozygotes.

Submission:

CeGaT Center for Human Genetics Tuebingen
Classification: Uncertain significance. Last evaluated: 2024-08-01. Review status: criteria provided, single submitter. Criteria: CeGaT Center For Human Genetics Tuebingen Variant Classification Criteria Version 2. Collection method: clinical testing. Allele origin: germline. Affected: yes. Observed: 1 variant allele.
Comment: TRIO: PS2:Moderate